The following is an entry in ClinVar:

ClinVar aggregate classification (germline): Uncertain significance (1 of 4 stars; one submission).

Conditions:
Exostoses, multiple, type 2 (EXT2). Also called: EXOSTOSES, MULTIPLE, TYPE II; Hereditary Multiple Osteochondromatosis, Type II. Identifiers: Orphanet 321, MedGen C1851413, MONDO:0007586, OMIM 133701.

Allele frequency attached by ClinVar (database versions not stated): gnomAD 0.00001; gnomAD exomes 0.00001; ExAC 0.00003; 1000 Genomes Project 30x 0.00016; 1000 Genomes Project 0.00020.
gnomAD v4.1: 12 of 1,613,974 alleles (0.00074%); highest among the groups gnomAD compares: South Asian, 0.012%; no homozygotes.

Submission:

Labcorp Genetics (formerly Invitae), Labcorp
Classification: Uncertain significance for Exostoses, multiple, type 2. Last evaluated: 2022-09-27. Review status: criteria provided, single submitter. Criteria: Invitae Variant Classification Sherloc (09022015). Collection method: clinical testing. Allele origin: germline.
Comment: In summary, the available evidence is currently insufficient to determine the role of this variant in disease. Therefore, it has been classified as a Variant of Uncertain Significance. Advanced modeling of protein sequence and biophysical properties (such as structural, functional, and spatial information, amino acid conservation, physicochemical variation, residue mobility, and thermodynamic stability) performed at Invitae indicates that this missense variant is not expected to disrupt EXT2 protein function. This variant has not been reported in the literature in individuals affected with EXT2-related conditions. This variant is present in population databases (rs536927857, gnomAD 0.02%). This sequence change replaces tyrosine, which is neutral and polar, with histidine, which is basic and polar, at codon 600 of the EXT2 protein (p.Tyr600His).

NM_207122.2(EXT2):c.1798T>C (p.Tyr600His)

Gene: EXT2 (exostosin glycosyltransferase 2; plus strand). Cytogenetic location: 11p11.2.
Variant type: single nucleotide variant.
Coding change: c.1798T>C on transcript NM_207122.2 (MANE Select); coding-DNA position 1798, T replaced by C.
Protein change: p.Tyr600His; replaces tyrosine 600 with histidine.
Molecular consequence: missense variant.
Genome position (GRCh38, 1-based): chr11:44,232,488, T>C. VCF-style: chr11-44232488-T-C. GRCh37 (hg19) VCF-style: chr11-44254038-T-C.
Other names: c.1897T>C, p.Tyr633His (NM_000401.3); c.1828T>C, p.Tyr610His (NM_001178083.3); c.1798T>C, p.Tyr600His (NM_001389628.1, NM_001389630.1); short protein forms Y600H, Y610H, Y633H.
Identifiers: ClinVar variation 2426728 (VCV002426728.5), dbSNP rs536927857, ClinGen allele CA5955350.
Genomic context (GRCh38, chr11:44,232,488, plus strand): 5'-TGGAAGTATGAGTCTGAGTGGACGAATGAAGTGTCCATGGTGCTCACTGGGGCAGCTTTT[T>C]ATCACAAGGTAAGGGGGCGCAGTCCTGGCAAGGTGACAAAACTGAGAGAATGATACACAT-3'
Protein context (NP_997005.1, residues 590-610): VSMVLTGAAF[Tyr600His]HKYFNYLYTY